The following is an entry in ClinVar:

ClinVar aggregate classification (germline): Likely benign (0 of 4 stars; one submission).

Conditions:
NF1-related disorder. Also called: NF1-related condition. Identifiers: MedGen CN379171.

Allele frequency attached by ClinVar (database versions not stated): gnomAD 0.00001; TOPMed 0.00001.
gnomAD v4.1: 2 of 152,100 alleles (0.0013%); highest among the groups gnomAD compares: East Asian, 0.038%; no homozygotes.

Submission:

PreventionGenetics, part of Exact Sciences
Classification: Likely benign for NF1-related condition. Last evaluated: 2019-07-17. Review status: no assertion criteria provided. Collection method: clinical testing. Allele origin: germline.
Comment: This variant is classified as likely benign based on ACMG/AMP sequence variant interpretation guidelines (Richards et al. 2015 PMID: 25741868, with internal and published modifications).

NM_001042492.3(NF1):c.1393-596G>T

Gene: NF1 (neurofibromin 1; plus strand). Cytogenetic location: 17q11.2.
Variant type: single nucleotide variant.
Coding change: c.1393-596G>T on transcript NM_001042492.3 (MANE Select); 596 bases into the intron before coding-DNA position 1393, G replaced by T.
Molecular consequence: intron variant.
Genome position (GRCh38, 1-based): chr17:31,213,855, G>T. VCF-style: chr17-31213855-G-T. GRCh37 (hg19) VCF-style: chr17-29540873-G-T.
Other names: c.1393-596G>T (NM_000267.4, NM_001128147.3).
Identifiers: ClinVar variation 3049513 (VCV003049513.2), dbSNP rs1167599355, ClinGen allele CA728037285.